The following is an entry in ClinVar:

NM_000246.4(CIITA):c.520= (p.Gly174=)

Gene: CIITA (class II major histocompatibility complex transactivator; plus strand). Cytogenetic location: 16p13.13.
Variant type: single nucleotide variant.
Coding change: c.520= on transcript NM_000246.4 (MANE Select); coding-DNA position 520, no change from the reference sequence.
Protein change: p.Gly174=; no amino-acid change (glycine 174 retained).
Molecular consequence: no sequence alteration. On other transcripts: non-coding transcript variant (1), intron variant (3).
Genome position: GRCh38 VCF-style: chr16-10902076-G-G. GRCh37 (hg19) VCF-style: chr16-10995933-A-G.
Other names: c.520A>G (NM_000246.3); c.523=, p.Gly175= (NM_001286402.1, NM_001379332.1); c.520=, p.Gly174= (NM_001379333.1); c.451=, p.Gly151= (NM_001379334.1); c.484+518= (NM_001379330.1); c.481+518= (NM_001379331.1, NM_001286403.2).
Identifiers: ClinVar variation 402538 (VCV000402538.20), dbSNP rs8046121.

ClinVar aggregate classification (germline): Benign/Likely benign. Review status: criteria provided, multiple submitters, no conflicts (2 of 4 stars). 5 submissions from 5 submitters: Benign (4); Likely benign (1). Last evaluated 2026-02-04.

Conditions:
MHC class II deficiency. Also called: BLS, TYPE II; Bare lymphocyte syndrome 2. Identifiers: Orphanet 572, MedGen C5447452, MONDO:0008855.

Allele frequency attached by ClinVar (database versions not stated): 1000 Genomes Project 30x 0.98595; gnomAD 0.98606 and 0.98494; gnomAD exomes 0.99870; TOPMed 0.98404.

Submissions (5):

Labcorp Genetics (formerly Invitae), Labcorp
Classification: Benign for MHC class II deficiency. Last evaluated: 2026-02-04. Review status: criteria provided, single submitter. Criteria: Invitae Variant Classification Sherloc (09022015). Collection method: clinical testing. Allele origin: germline.

Blueprint Genetics
Classification: Likely benign. Last evaluated: 2024-11-27. Review status: criteria provided, single submitter. Criteria: ACMG Guidelines, 2015. Collection method: clinical testing. Allele origin: germline.

Genome-Nilou Lab
Classification: Benign for MHC class II deficiency 1. Last evaluated: 2021-07-10. Review status: criteria provided, single submitter. Criteria: ACMG Guidelines, 2015. Collection method: clinical testing. Allele origin: germline. Affected: no.

Laboratory for Molecular Medicine, Mass General Brigham Personalized Medicine
Classification: Benign. Last evaluated: 2016-03-28. Review status: criteria provided, single submitter. Criteria: LMM Criteria. Collection method: clinical testing. Allele origin: germline.
Comment: Variant identified in a genome or exome case(s) and assessed due to predicted null impact of the variant or pathogenic assertions in the literature or databases. Disclaimer: This variant has not undergone full assessment. The following are preliminary notes: MAF

Breakthrough Genomics
Classification: Benign. Review status: criteria provided, single submitter. Criteria: ACMG Guidelines, 2015. Collection method: not provided. Allele origin: germline. Inheritance: Autosomal recessive inheritance. Affected: yes.